The following is an entry in ClinVar:

ClinVar aggregate classification (germline): Uncertain significance (1 of 4 stars; one submission).

Submission:

Labcorp Genetics (formerly Invitae), Labcorp
Classification: Uncertain significance. Last evaluated: 2022-01-15. Review status: criteria provided, single submitter. Criteria: Invitae Variant Classification Sherloc (09022015). Collection method: clinical testing. Allele origin: germline.
Comment: This variant is present in population databases (rs781924920, gnomAD 0.0009%). This variant, c.649_654dup, results in the insertion of 2 amino acid(s) of the SLC46A1 protein (p.Ala217_Leu218dup), but otherwise preserves the integrity of the reading frame. This variant has not been reported in the literature in individuals affected with SLC46A1-related conditions. In summary, the available evidence is currently insufficient to determine the role of this variant in disease. Therefore, it has been classified as a Variant of Uncertain Significance. Experimental studies and prediction algorithms are not available or were not evaluated, and the functional significance of this variant is currently unknown.

NM_080669.6(SLC46A1):c.643GCCTTG[3] (p.Leu218_Leu219insAlaLeu)

Gene: SLC46A1 (solute carrier family 46 member 1; minus strand). Cytogenetic location: 17q11.2.
Variant type: Microsatellite.
Coding change: c.643GCCTTG[3] on transcript NM_080669.6 (MANE Select); three copies in a row of the 6-base unit GCCTTG starting at c.643; the reference has two copies in a row; one copy, 6 bases duplicated.
Protein change: p.Leu218_Leu219insAlaLeu.
Molecular consequence: inframe insertion.
Genome position (GRCh38, 1-based): chr17:28,405,043-28,405,048, CAAGGC duplicated on the plus strand (GCCTTG on the coding strand, the reverse complement: SLC46A1 is on the minus strand); duplicating any 6 consecutive bases within chr17:28,405,043-28,405,056 gives the same sequence; the position shown is the placement nearest the transcript's 3' end. VCF-style (leftmost placement, unchanged base first): chr17-28405042-G-GCAAGGC. GRCh37 (hg19) VCF-style: chr17-26732060-G-GCAAGGC.
Other names: c.643GCCTTG[3], p.Leu218_Leu219insAlaLeu (NM_001242366.3).
Identifiers: ClinVar variation 2083625 (VCV002083625.2), dbSNP rs781924920, ClinGen allele CA8458301.